The following is an entry in ClinVar:

NM_001378452.1(ITPR1):c.3282C>A (p.Phe1094Leu)

Gene: ITPR1 (inositol 1,4,5-trisphosphate receptor type 1; plus strand). Cytogenetic location: 3p26.1.
Variant type: single nucleotide variant.
Coding change: c.3282C>A on transcript NM_001378452.1 (MANE Select); coding-DNA position 3282, C replaced by A.
Protein change: p.Phe1094Leu; replaces phenylalanine 1094 with leucine.
Molecular consequence: missense variant.
Genome position (GRCh38, 1-based): chr3:4,683,506, C>A. VCF-style: chr3-4683506-C-A. GRCh37 (hg19) VCF-style: chr3-4725190-C-A.
Other names: c.3255C>A, p.Phe1085Leu (NM_001099952.4); c.3237C>A, p.Phe1079Leu (NM_001168272.2); c.3210C>A, p.Phe1070Leu (NM_002222.7); short protein forms F1070L, F1079L, F1085L, F1094L.
Identifiers: ClinVar variation 4536539 (VCV004536539.1).
Genomic context (GRCh38, chr3:4,683,506, plus strand): 5'-GCTCCACTTGACGATGCATGACTACCCACCCCTGGTGTCAGGGGCCCTGCAGCTCCTCTT[C>A]CGGCACTTCAGCCAGAGGCAGGAGGTGCTCCAGGCCTTCAAACAGGTAGCTCAGGTCACC-3'
Protein context (NP_001365381.1, residues 1084-1104): PLVSGALQLL[Phe1094Leu]RHFSQRQEVL

ClinVar aggregate classification (germline): Uncertain significance (1 of 4 stars; one submission).

Submission:

GeneDx
Classification: Uncertain significance. Last evaluated: 2025-06-04. Review status: criteria provided, single submitter. Criteria: GeneDx Variant Classification Process June 2021. Collection method: clinical testing. Allele origin: germline. Affected: yes.
Comment: Not observed at significant frequency in large population cohorts (gnomAD); In silico analysis supports that this missense variant has a deleterious effect on protein structure/function; Has not been previously published as pathogenic or benign to our knowledge